The following is an entry in ClinVar:

NM_000368.5(TSC1):c.2626-2del

Gene: TSC1 (TSC complex subunit 1; minus strand). Cytogenetic location: 9q34.13.
Variant type: Deletion.
Coding change: c.2626-2del on transcript NM_000368.5 (MANE Select); the canonical splice acceptor site of the intron before coding-DNA position 2626, one base deleted (A; older notation c.2626-2delA).
Molecular consequence: splice acceptor variant.
Genome position (GRCh38, 1-based): chr9:132,897,612, T deleted on the plus strand (A on the coding strand, the reverse complement: TSC1 is on the minus strand). VCF-style (leftmost placement, unchanged base first): chr9-132897611-CT-C. GRCh37 (hg19) VCF-style: chr9-135772998-CT-C.
Other names: c.2623-2del (NM_001406598.1, NM_001162426.2, NM_001406599.1 and 2 more transcripts); c.2584-2del (NM_001406607.1, NM_001406605.1, NM_001406606.1); c.2626-2del (NM_001406593.1, NM_001406596.1, NM_001406594.1 and 2 more transcripts); c.2260-2del (NM_001406622.1, NM_001406623.1, NM_001406620.1 and 1 more transcripts); c.2263-2del (NM_001362177.2, NM_001406614.1, NM_001406616.1 and 4 more transcripts); c.2470-2del (NM_001406611.1, NM_001406612.1); c.2473-2del (NM_001162427.2, NM_001406610.1); c.1672-2del (NM_001406628.1, NM_001406627.1); and 8 more.
Identifiers: ClinVar variation 3076053 (VCV003076053.1), dbSNP rs1845156018, ClinGen allele CA591361233.

ClinVar aggregate classification (germline): Pathogenic (1 of 4 stars; one submission).

Conditions:
Tuberous sclerosis syndrome (TSC). Also called: Tuberous sclerosis; Tuberous Sclerosis Complex. Identifiers: Orphanet 805, MedGen C0041341, MONDO:0001734.

Allele frequency attached by ClinVar (database versions not stated): gnomAD exomes below 0.00001.

Submission:

Laboratory for Molecular Medicine, Mass General Brigham Personalized Medicine
Classification: Pathogenic for Tuberous sclerosis syndrome. Last evaluated: 2017-12-27. Review status: criteria provided, single submitter. Criteria: ACMG Guidelines, 2015. Collection method: clinical testing. Allele origin: germline. Inheritance: Autosomal dominant inheritance.
Comment: The c.2626-2delA variant in TSC1 has not been reported in individuals with tuberous sclerosis complex (TSC), but has been identified in 1/78378 European chromosomes by the Genome Aggregation Database (gnomAD). Please note that for diseases with clinical variability or reduced penetrance, pathogenic variants may be present at a low frequency in the general population. This deletion variant occurs in the invariant region (+/- 1,2) of the splice consensus sequence and is predicted to cause altered splicing leading to an abnormal or absent protein. Another nucleotide change at this position (c.2626-2A>G) has been reported in an individual with TSC (Au 2007), supporting that variation at position c.2626-2 leads to loss of TSC1 function. Heterozygous loss-of-function of the TSC1 gene is an established disease mechanism in individuals with TSC. In summary, this variant meets our criteria to be classified as pathogenic for TSC in an autosomal dominant manner based upon the predicted impact to the protein. ACMG/AMP Criteria applied: PVS1; PM5; PM2.

Literature cited by the submitters: PubMed 17304050.